The following is an entry in ClinVar:

ClinVar aggregate classification (germline): Uncertain significance (1 of 4 stars; one submission).

Submission:

Women's Health and Genetics/Laboratory Corporation of America, LabCorp
Classification: Uncertain significance. Last evaluated: 2026-01-20. Review status: criteria provided, single submitter. Criteria: LabCorp Variant Classification Summary - May 2015. Collection method: clinical testing. Allele origin: germline.
Comment: Variant summary: GCDH c.1109T>C (p.Leu370Pro) results in a non-conservative amino acid change in the encoded protein sequence. Algorithms developed to predict the effect of missense changes on protein structure and function all suggest that this variant is likely to be disruptive. The variant was absent in 251454 control chromosomes. c.1109T>C has been observed in individual(s) affected with Glutaric Acidemia Type 1 (e.g. Wang_2014, He_2023, Zhang_2022, Zhang_2024, Yin_2022). These data indicate that the variant may be associated with disease. To our knowledge, no experimental evidence demonstrating an impact on protein function has been reported. The following publications have been ascertained in the context of this evaluation (PMID: 36927542, 25190159, 34964964, 36246604, 38582244). No submitters have cited clinical-significance assessments for this variant to ClinVar. Based on the evidence outlined above, the variant was classified as VUS-possibly pathogenic.

Literature cited by the submitters: PubMed 25190159; PubMed 36246604; PubMed 38582244; PubMed 36927542; PubMed 34964964.

NM_000159.4(GCDH):c.1109T>C (p.Leu370Pro)

Gene: GCDH (glutaryl-CoA dehydrogenase; plus strand). Cytogenetic location: 19p13.13.
Variant type: single nucleotide variant.
Coding change: c.1109T>C on transcript NM_000159.4 (MANE Select); coding-DNA position 1109, T replaced by C.
Protein change: p.Leu370Pro; replaces leucine 370 with proline.
Molecular consequence: missense variant. On other transcripts: non-coding transcript variant (2).
Genome position (GRCh38, 1-based): chr19:12,897,729, T>C. VCF-style: chr19-12897729-T-C. GRCh37 (hg19) VCF-style: chr19-13008543-T-C.
Other names: c.1109T>C, p.Leu370Pro (NM_013976.5); short protein forms L370P.
Identifiers: ClinVar variation 4689189 (VCV004689189.1).